The following is an entry in ClinVar:

ClinVar aggregate classification (germline): Uncertain significance (1 of 4 stars; one submission).

Allele frequency attached by ClinVar (database versions not stated): gnomAD exomes below 0.00001.

Submission:

Ambry Genetics
Classification: Uncertain significance. Last evaluated: 2024-01-30. Review status: criteria provided, single submitter. Criteria: Ambry Variant Classification Scheme 2023. Collection method: clinical testing. Allele origin: germline.
Comment: The p.V827I variant (also known as c.2479G>A), located in coding exon 4 of the ALPK2 gene, results from a G to A substitution at nucleotide position 2479. The valine at codon 827 is replaced by isoleucine, an amino acid with highly similar properties. This amino acid position is conserved. In addition, this alteration is predicted to be tolerated by in silico analysis. Since supporting evidence is limited at this time, the clinical significance of this alteration remains unclear.

NM_052947.4(ALPK2):c.2479G>A (p.Val827Ile)

Gene: ALPK2 (alpha kinase 2; minus strand). Cytogenetic location: 18q21.31.
Variant type: single nucleotide variant.
Coding change: c.2479G>A on transcript NM_052947.4 (MANE Select); coding-DNA position 2479, G replaced by A.
Protein change: p.Val827Ile; replaces valine 827 with isoleucine.
Molecular consequence: missense variant.
Genome position (GRCh38, 1-based): chr18:58,537,708, C>T on the plus strand (G>A on the coding strand, the complement: ALPK2 is on the minus strand). VCF-style: chr18-58537708-C-T. GRCh37 (hg19) VCF-style: chr18-56204940-C-T.
Other names: short protein forms V827I.
Identifiers: ClinVar variation 1791881 (VCV001791881.2), dbSNP rs2518877622, ClinGen allele CA402570446.